The following is an entry in ClinVar:

NM_001199107.2(TBC1D24):c.1143G>T (p.Arg381Ser)

Gene: TBC1D24 (TBC1 domain family member 24; plus strand). Cytogenetic location: 16p13.3.
Variant type: single nucleotide variant.
Coding change: c.1143G>T on transcript NM_001199107.2 (MANE Select); coding-DNA position 1143, G replaced by T.
Protein change: p.Arg381Ser; replaces arginine 381 with serine.
Molecular consequence: missense variant.
Genome position (GRCh38, 1-based): chr16:2,499,357, G>T. VCF-style: chr16-2499357-G-T. GRCh37 (hg19) VCF-style: chr16-2549358-G-T.
Other names: c.1125G>T, p.Arg375Ser (NM_020705.3); short protein forms R375S, R381S.
Identifiers: ClinVar variation 3731341 (VCV003731341.1).
Genomic context (GRCh38, chr16:2,499,357, plus strand): 5'-TGCAGGAGGCGGCTGGGAGGGTGTGCAGGGTGACAGCTGGCATGCGTGTCTCTACGCCAG[G>T]TTCTACTTCCAGTGTGAAGGACATGAGCCTACCCTCTTGCTCATCAAGACCACGCAGAAG-3'
Protein context (NP_001186036.1, residues 371-391): SSLQHGYSLA[Arg381Ser]FYFQCEGHEP

ClinVar aggregate classification (germline): Uncertain significance (1 of 4 stars; one submission).

Conditions:
Developmental and epileptic encephalopathy, 16 (DEE16). Also called: Early infantile epileptic encephalopathy 16; TBC1D24-Related Developmental and Epileptic Encephalopathy (DEE). Identifiers: Orphanet 293181, Orphanet 352596, MedGen C3809173, MONDO:0014133, OMIM 615338.

Submission:

Neuberg Centre For Genomic Medicine, NCGM
Classification: Uncertain significance for Developmental and epileptic encephalopathy, 16. Review status: criteria provided, single submitter. Criteria: ACMG Guidelines, 2015. Collection method: clinical testing. Allele origin: germline. Inheritance: Autosomal recessive inheritance. Affected: yes.
Comment: The missense variant c.1143G>T (p.Arg381Ser) in the TBC1D24 gene has not been reported previously as a pathogenic variant nor as a benign variant, to our knowledge. This variant is absent in the gnomAD Exomes. The amino acid Arg at position 381 is changed to a Ser changing protein sequence and it might alter its composition and physico-chemical properties. Computational evidence (Polyphen, SIFT and MutationTaster) predicts conflicting evidence on protein structure and function for this variant. The amino acid change p.Arg381Ser in TBC1D24 is predicted as conserved by GERP++ and PhyloP across 100 vertebrates. For these reasons, this variant has been classified as Uncertain Significance.